The following is an entry in ClinVar:

ClinVar aggregate classification (germline): Likely benign. Review status: criteria provided, multiple submitters, no conflicts (2 of 4 stars). 4 submissions from 4 submitters: Likely benign (3). 1 of the submissions does not count toward it. Last evaluated 2025-10-09.

Conditions:
VPS13D-related disorder. Also called: VPS13D-related condition.

Allele frequency attached by ClinVar (database versions not stated): 1000 Genomes Project 30x 0.00031; 1000 Genomes Project 0.00040; ESP Exome Variant Server 0.00077; TOPMed 0.00087; gnomAD 0.00117 and 0.00125; gnomAD exomes 0.00157 and 0.00167; ExAC 0.00236.
gnomAD v4.1: 2,454 of 1,614,088 alleles (0.15%); highest among the groups gnomAD compares: Non-Finnish European, 0.18%; 2 homozygotes.

Submissions (4):

Labcorp Genetics (formerly Invitae), Labcorp
Classification: Likely benign. Last evaluated: 2025-10-09. Review status: criteria provided, single submitter. Criteria: Invitae Variant Classification Sherloc (09022015). Collection method: clinical testing. Allele origin: germline.

Mayo Clinic Laboratories, Mayo Clinic
Classification: Likely benign. Last evaluated: 2025-03-10. Review status: criteria provided, single submitter. Criteria: ACMG Guidelines, 2015. Collection method: clinical testing. Allele origin: germline. Observed: 7 variant alleles.
Comment: BS1, BP4_moderate

CeGaT Center for Human Genetics Tuebingen
Classification: Likely benign. Last evaluated: 2024-11-01. Review status: criteria provided, single submitter. Criteria: CeGaT Center For Human Genetics Tuebingen Variant Classification Criteria Version 2. Collection method: clinical testing. Allele origin: germline. Affected: yes. Observed: 4 variant alleles.
Comment: VPS13D: BS2

PreventionGenetics, part of Exact Sciences
Classification: Likely benign for VPS13D-related condition. Last evaluated: 2019-04-26. Review status: no assertion criteria provided. Collection method: clinical testing. Allele origin: germline. Not counted in ClinVar's aggregate classification.
Comment: This variant is classified as likely benign based on ACMG/AMP sequence variant interpretation guidelines (Richards et al. 2015 PMID: 25741868, with internal and published modifications).

NM_015378.4(VPS13D):c.7243C>T (p.His2415Tyr)

Gene: VPS13D (vacuolar protein sorting 13 homolog D; plus strand). Cytogenetic location: 1p36.22.
Variant type: single nucleotide variant.
Coding change: c.7243C>T on transcript NM_015378.4 (MANE Select); coding-DNA position 7243, C replaced by T.
Protein change: p.His2415Tyr; replaces histidine 2415 with tyrosine.
Molecular consequence: missense variant.
Genome position (GRCh38, 1-based): chr1:12,318,166, C>T. VCF-style: chr1-12318166-C-T. GRCh37 (hg19) VCF-style: chr1-12378223-C-T.
Other names: p.His2415Tyr; c.7243C>T, p.His2415Tyr (NM_018156.4); c.7243C>T (NM_015378.3); short protein forms H2415Y.
Identifiers: ClinVar variation 1556808 (VCV001556808.33), dbSNP rs145303326, ClinGen allele CA602789.